The following is an entry in ClinVar:

NM_005422.4(TECTA):c.6303G>A (p.Arg2101=)

Genes: TBCEL-TECTA (TBCEL-TECTA readthrough; plus strand), TECTA (tectorin alpha; plus strand). Cytogenetic location: 11q23.3.
Variant type: single nucleotide variant.
Coding change: c.6303G>A on transcript NM_005422.4 (MANE Select); coding-DNA position 6303, G replaced by A.
Protein change: p.Arg2101=; no amino-acid change (arginine 2101 retained).
Molecular consequence: synonymous variant.
Genome position (GRCh38, 1-based): chr11:121,189,816, G>A. VCF-style: chr11-121189816-G-A. GRCh37 (hg19) VCF-style: chr11-121060525-G-A.
Other names: c.7245G>A, p.Arg2415= (NM_001378761.1).
Identifiers: ClinVar variation 179971 (VCV000179971.6), dbSNP rs727505252, ClinGen allele CA185545.
Genomic context (GRCh38, chr11:121,189,816, plus strand): 5'-TTTTGTAGGGCTGGACTGGTGTGAGGACAATGGAGGGTGTGAGCAGATTTGCACGAGCCG[G>A]GTGGATGGGCCTCTCTGCAGCTGTGTAACAGGAACCCTGCAGGAGGACGGCAAGAGCTGC-3'
Protein context (NP_005413.2, residues 2091-2111): NGGCEQICTS[Arg2101=]VDGPLCSCVT

ClinVar aggregate classification (germline): Likely benign. Review status: criteria provided, multiple submitters, no conflicts (2 of 4 stars). 2 submissions from 2 submitters: Likely benign (2). Last evaluated 2025-08-22.

Allele frequency attached by ClinVar (database versions not stated): gnomAD 0.00001.
gnomAD v4.1: 1 of 1,613,854 alleles (0.000062%); highest among the groups gnomAD compares: Admixed American, 0.0017%; no homozygotes.

Submissions (2):

Labcorp Genetics (formerly Invitae), Labcorp
Classification: Likely benign. Last evaluated: 2025-08-22. Review status: criteria provided, single submitter. Criteria: Invitae Variant Classification Sherloc (09022015). Collection method: clinical testing. Allele origin: germline.

Laboratory for Molecular Medicine, Mass General Brigham Personalized Medicine
Classification: Likely benign. Last evaluated: 2014-09-02. Review status: criteria provided, single submitter. Criteria: LMM Criteria. Collection method: clinical testing. Allele origin: germline. Observed: 1 variant allele.
Comment: Arg2101Arg in exon 22 of TECTA: This variant is not expected to have clinical si gnificance because it does not alter an amino acid residue and is not located wi thin the splice consensus sequence.